The following is an entry in ClinVar:

NM_001004334.4(GPR179):c.6765CCT[1] (p.Leu2257del)

Gene: GPR179 (G protein-coupled receptor 179; minus strand). Cytogenetic location: 17q12.
Variant type: Microsatellite.
Coding change: c.6765CCT[1] on transcript NM_001004334.4 (MANE Select); one copy of the 3-base unit CCT starting at c.6765; the reference has two copies in a row; one copy, 3 bases deleted.
Protein change: p.Leu2257del; deletes leucine 2257.
Molecular consequence: inframe deletion.
Genome position (GRCh38, 1-based): chr17:38,326,799-38,326,801, AGG deleted on the plus strand (CCT on the coding strand, the reverse complement: GPR179 is on the minus strand); deleting any 3 consecutive bases within chr17:38,326,799-38,326,804 gives the same sequence; the position shown is the placement nearest the transcript's 3' end. VCF-style (leftmost placement, unchanged base first): chr17-38326798-CAGG-C. GRCh37 (hg19) VCF-style: chr17-36482681-CAGG-C.
Other names: short protein forms L2257del.
Identifiers: ClinVar variation 1364858 (VCV001364858.8), dbSNP rs1242517880, ClinGen allele CA771677000.

ClinVar aggregate classification (germline): Uncertain significance (1 of 4 stars; one submission).

Submission:

Labcorp Genetics (formerly Invitae), Labcorp
Classification: Uncertain significance. Last evaluated: 2022-06-20. Review status: criteria provided, single submitter. Criteria: Invitae Variant Classification Sherloc (09022015). Collection method: clinical testing. Allele origin: germline.
Comment: This variant, c.6768_6770del, results in the deletion of 1 amino acid(s) of the GPR179 protein (p.Leu2257del), but otherwise preserves the integrity of the reading frame. This variant is not present in population databases (gnomAD no frequency). This variant has not been reported in the literature in individuals affected with GPR179-related conditions. Experimental studies and prediction algorithms are not available or were not evaluated, and the functional significance of this variant is currently unknown. In summary, the available evidence is currently insufficient to determine the role of this variant in disease. Therefore, it has been classified as a Variant of Uncertain Significance.